The following is an entry in ClinVar:

NM_001348800.3(ZBTB20):c.189G>C (p.Gly63=)

Genes: ZBTB20 (zinc finger and BTB domain containing 20; minus strand), ZBTB20-AS1 (ZBTB20 antisense RNA 1; plus strand). Cytogenetic location: 3q13.31.
Variant type: single nucleotide variant.
Coding change: c.189G>C on transcript NM_001348800.3 (MANE Select); coding-DNA position 189, G replaced by C.
Protein change: p.Gly63=; no amino-acid change (glycine 63 retained).
Molecular consequence: synonymous variant. On other transcripts: 5 prime UTR variant (12), non-coding transcript variant (1).
Genome position (GRCh38, 1-based): chr3:114,380,227, C>G on the plus strand (G>C on the coding strand, the complement: ZBTB20 is on the minus strand). VCF-style: chr3-114380227-C-G. GRCh37 (hg19) VCF-style: chr3-114099074-C-G.
Other names: c.189G>C, p.Gly63= (NM_001164342.2, NM_001348803.3, NM_001393393.1 and 1 more transcripts); c.-31G>C (NM_001164343.2, NM_001164344.4, NM_001164345.4 and 9 more transcripts).
Identifiers: ClinVar variation 1337494 (VCV001337494.5), dbSNP rs1236262753, ClinGen allele CA434965542.

ClinVar aggregate classification (germline): Likely benign. Review status: criteria provided, multiple submitters, no conflicts (2 of 4 stars). 2 submissions from 2 submitters: Likely benign (2). Last evaluated 2025-12-21.

Allele frequency attached by ClinVar (database versions not stated): gnomAD exomes below 0.00001 and 0.00001.
gnomAD v4.1: 6 of 1,536,008 alleles (0.00039%); highest among the groups gnomAD compares: Non-Finnish European, 0.00044%; no homozygotes.

Submissions (2):

Labcorp Genetics (formerly Invitae), Labcorp
Classification: Likely benign. Last evaluated: 2025-12-21. Review status: criteria provided, single submitter. Criteria: Invitae Variant Classification Sherloc (09022015). Collection method: clinical testing. Allele origin: germline.

Genetic Services Laboratory, University of Chicago
Classification: Likely benign. Last evaluated: 2020-04-02. Review status: criteria provided, single submitter. Criteria: ACMG Guidelines, 2015. Collection method: clinical testing. Allele origin: germline. Affected: no.
Comment: DNA sequence analysis of the ZBTB20 gene demonstrated a sequence change, c.189G>C, in exon 3 which does not result in an amino acid change. This sequence change does not appear to have been previously described in patients with ZBTB20-related disorders and has been described in the gnomAD database in one individual which corresponds to a population frequency of 0.00070% (dbSNP rs1236262753). This sequence change is not predicted to have a deleterious effect on splicing based on in silico splice prediction programs. As the c.189G>C sequence change does not result in a change in the ZBTB20 amino acid sequence, it is possible that this change is non-pathogenic and represents a benign sequence variant of the ZBTB20 gene, however functional studies have not been performed to prove this conclusively. The functional significance of this sequence change is not known at present and its contribution to this patient's disease phenotype cannot definitively be determined.